The following is an entry in ClinVar:

ClinVar aggregate classification (germline): Uncertain significance (1 of 4 stars; one submission).

Conditions:
Hereditary spastic paraplegia 7 (SPG7). Also called: SPG7-related neurologic disorder; Autosomal recessive spastic paraplegia type 7; SPASTIC PARAPLEGIA 7, AUTOSOMAL RECESSIVE, WITH OR WITHOUT CEREBELLAR ATAXIA; Spastic paraplegia 7; Hereditary spastic paraplegia Paraplegin type. Identifiers: Orphanet 99013, MedGen C1846564, MONDO:0011803, OMIM 607259.

Submission:

Labcorp Genetics (formerly Invitae), Labcorp
Classification: Uncertain significance for Hereditary spastic paraplegia 7. Last evaluated: 2019-02-01. Review status: criteria provided, single submitter. Criteria: Invitae Variant Classification Sherloc (09022015). Collection method: clinical testing. Allele origin: germline.
Comment: In summary, the available evidence is currently insufficient to determine the role of this variant in disease. Therefore, it has been classified as a Variant of Uncertain Significance. This variant has not been reported in the literature in individuals with SPG7-related conditions. This variant results in a copy number gain of the genomic region encompassing exons 1-9 of the SPG7 gene. The 5' end of this event is unknown as it extends beyond the assayed region for this gene and therefore may encompass additional genes. The 3' boundary is likely confined to intron 9 of the SPG7 gene. As the precise location of this event is unknown, it may be in tandem or it may be located elsewhere in the genome.

NC_000016.10:g.(?_89508408)_(89532646_?)dup

Gene: SPG7 (SPG7 matrix AAA peptidase subunit, paraplegin; plus strand). Cytogenetic location: 16q24.3.
Variant type: Duplication.
Identifiers: ClinVar variation 830861 (VCV000830861.5).